The following is an entry in ClinVar:

NM_000553.6(WRN):c.1431G>T (p.Lys477Asn)

Gene: WRN (WRN RecQ like helicase; plus strand). Cytogenetic location: 8p12.
Variant type: single nucleotide variant.
Coding change: c.1431G>T on transcript NM_000553.6 (MANE Select); coding-DNA position 1431, G replaced by T.
Protein change: p.Lys477Asn; replaces lysine 477 with asparagine.
Molecular consequence: missense variant.
Genome position (GRCh38, 1-based): chr8:31,085,246, G>T. VCF-style: chr8-31085246-G-T. GRCh37 (hg19) VCF-style: chr8-30942762-G-T.
Other names: short protein forms K477N.
Identifiers: ClinVar variation 2156072 (VCV002156072.4), dbSNP rs376705983, ClinGen allele CA4704355.

ClinVar aggregate classification (germline): Uncertain significance (1 of 4 stars; one submission).

Conditions:
Werner syndrome (WRN). Identifiers: Orphanet 902, MedGen C0043119, MONDO:0010196, OMIM 277700.

Allele frequency attached by ClinVar (database versions not stated): ESP Exome Variant Server 0.00008.
gnomAD v4.1: 1 of 1,612,242 alleles (0.000062%); highest among the groups gnomAD compares: Non-Finnish European, 0.000085%; no homozygotes.

Submission:

Labcorp Genetics (formerly Invitae), Labcorp
Classification: Uncertain significance for Werner syndrome. Last evaluated: 2024-09-30. Review status: criteria provided, single submitter. Criteria: Invitae Variant Classification Sherloc (09022015). Collection method: clinical testing. Allele origin: germline.
Comment: This sequence change replaces lysine, which is basic and polar, with asparagine, which is neutral and polar, at codon 477 of the WRN protein (p.Lys477Asn). This variant also falls at the last nucleotide of exon 11, which is part of the consensus splice site for this exon. This variant is present in population databases (rs376705983, gnomAD 0.0009%). This variant has not been reported in the literature in individuals affected with WRN-related conditions. ClinVar contains an entry for this variant (Variation ID: 2156072). An algorithm developed to predict the effect of missense changes on protein structure and function (PolyPhen-2) suggests that this variant is likely to be disruptive. Variants that disrupt the consensus splice site are a relatively common cause of aberrant splicing (PMID: 17576681, 9536098). Algorithms developed to predict the effect of sequence changes on RNA splicing suggest that this variant may disrupt the consensus splice site. In summary, the available evidence is currently insufficient to determine the role of this variant in disease. Therefore, it has been classified as a Variant of Uncertain Significance.

Literature cited by the submitters: PubMed 17576681; PubMed 9536098.